The following is an entry in ClinVar:

NC_000017.11:g.42536129G>A

Gene: NAGLU (N-acetyl-alpha-glucosaminidase; plus strand). Cytogenetic location: 17q21.2.
Variant type: single nucleotide variant.
Genome position: GRCh38 VCF-style: chr17-42536129-G-A. GRCh37 (hg19) VCF-style: chr17-40688147-G-A.
Identifiers: ClinVar variation 323288 (VCV000323288.20), dbSNP rs538885425, ClinGen allele CA10649281.

ClinVar aggregate classification (germline): Likely benign (1 of 4 stars; one submission).

Allele frequency attached by ClinVar (database versions not stated): 1000 Genomes Project 0.00020; 1000 Genomes Project 30x 0.00062; gnomAD 0.00254 and 0.00263; TOPMed 0.00278; gnomAD exomes 0.00335.

Submission:

CeGaT Center for Human Genetics Tuebingen
Classification: Likely benign. Last evaluated: 2024-11-01. Review status: criteria provided, single submitter. Criteria: CeGaT Center For Human Genetics Tuebingen Variant Classification Criteria Version 2. Collection method: clinical testing. Allele origin: germline. Affected: yes. Observed: 1 variant allele.
Comment: NAGLU: BS2